The following is an entry in ClinVar:

NM_001122764.3(PPOX):c.1014AGA[1] (p.Glu339del)

Gene: PPOX (protoporphyrinogen oxidase; plus strand). Cytogenetic location: 1q23.3.
Variant type: Microsatellite.
Coding change: c.1014AGA[1] on transcript NM_001122764.3 (MANE Select); one copy of the 3-base unit AGA starting at c.1014; the reference has two copies in a row; one copy, 3 bases deleted.
Protein change: p.Glu339del; deletes glutamic acid 339.
Molecular consequence: inframe deletion. On other transcripts: intron variant (1).
Genome position (GRCh38, 1-based): chr1:161,170,438-161,170,440, AGA deleted; deleting any 3 consecutive bases within chr1:161,170,435-161,170,440 gives the same sequence; the position shown is the placement nearest the transcript's 3' end. VCF-style (leftmost placement, unchanged base first): chr1-161170434-CAGA-C. GRCh37 (hg19) VCF-style: chr1-161140224-CAGA-C.
Other names: c.1014AGA[1], p.Glu339del (NM_000309.5, NM_001365398.1); c.915AGA[1], p.Glu306del (NM_001350128.2); c.606AGA[1], p.Glu203del (NM_001350129.2, NM_001365400.1); c.528AGA[1], p.Glu177del (NM_001350130.2, NM_001350131.2, NM_001365401.1); c.988-182_988-180del (NM_001365399.1); short protein forms E203del, E177del, E306del, E339del.
Identifiers: ClinVar variation 2852848 (VCV002852848.3), dbSNP rs2525339716, ClinGen allele CA2739275373.

ClinVar aggregate classification (germline): Uncertain significance (1 of 4 stars; one submission).

Submission:

Labcorp Genetics (formerly Invitae), Labcorp
Classification: Uncertain significance. Last evaluated: 2024-06-11. Review status: criteria provided, single submitter. Criteria: Invitae Variant Classification Sherloc (09022015). Collection method: clinical testing. Allele origin: germline.
Comment: This variant, c.1017_1019del, results in the deletion of 1 amino acid(s) of the PPOX protein (p.Glu339del), but otherwise preserves the integrity of the reading frame. This variant is not present in population databases (gnomAD no frequency). This variant has not been reported in the literature in individuals affected with PPOX-related conditions. Experimental studies and prediction algorithms are not available or were not evaluated, and the functional significance of this variant is currently unknown. Algorithms developed to predict the effect of sequence changes on RNA splicing suggest that this variant may disrupt the consensus splice site. In summary, the available evidence is currently insufficient to determine the role of this variant in disease. Therefore, it has been classified as a Variant of Uncertain Significance.